The following is an entry in ClinVar:

NC_000009.11:g.(?_79928888)_(79938163_?)dup

Gene: VPS13A (vacuolar protein sorting 13 homolog A; plus strand). Cytogenetic location: 9q21.2.
Variant type: Duplication.
Identifiers: ClinVar variation 3245381 (VCV003245381.1).

ClinVar aggregate classification (germline): Pathogenic (1 of 4 stars; one submission).

Submission:

Labcorp Genetics (formerly Invitae), Labcorp
Classification: Pathogenic. Last evaluated: 2023-11-17. Review status: criteria provided, single submitter. Criteria: Invitae Variant Classification Sherloc (09022015). Collection method: clinical testing. Allele origin: unknown.
Comment: This variant results in a copy number gain of the genomic region encompassing exon(s) 36-45 of the VPS13A gene. While the exact position of this variant cannot be determined from the data, sub-genic copy number gains are generally in tandem (PMID: 25640679). This variant is predicted to be out-of-frame, and may result in an absent or disrupted protein product. Loss-of-function variants in VPS13A are known to be pathogenic (PMID: 12404112, 21598378). A similar copy number variant has been observed in individual(s) with choreoacanthocytosis (PMID: 31192303). For these reasons, this variant has been classified as Pathogenic.

Literature cited by the submitters: PubMed 25640679; PubMed 12404112; PubMed 21598378; PubMed 31192303.